The following is an entry in ClinVar:

ClinVar aggregate classification (germline): Pathogenic/Likely pathogenic. Review status: criteria provided, multiple submitters, no conflicts (2 of 4 stars). 5 submissions from 5 submitters: Pathogenic (3); Likely pathogenic (2). Last evaluated 2025-09-30.

Conditions:
MTRR-related disorder. Also called: MTRR-related condition.
Methylcobalamin deficiency type cblE (HMAE). Also called: VITAMIN B12-RESPONSIVE HOMOCYSTINURIA, cblE TYPE; HOMOCYSTINURIA-MEGALOBLASTIC ANEMIA, cblE COMPLEMENTATION TYPE; HOMOCYSTINURIA-MEGALOBLASTIC ANEMIA, cblE TYPE. Identifiers: Orphanet 2169, Orphanet 622, MedGen C1856057, MONDO:0009354, OMIM 236270.
Neural tube defects, folate-sensitive (NTDFS). Also called: NTD, FOLATE-SENSITIVE. Identifiers: Orphanet 823, MedGen C1866558, MONDO:0011120, OMIM 601634.

Allele frequency attached by ClinVar (database versions not stated): gnomAD exomes below 0.00001 and 0.00001; ExAC 0.00001; TOPMed 0.00001.

Submissions (5):

Natera, Inc.
Classification: Pathogenic for CblE complementation type homocystinuria-megaloblastic anemia due to defect in cobalamin metabolism. Last evaluated: 2025-09-30. Review status: criteria provided, single submitter. Criteria: Natera Variant Classification Schema (03/2026). Collection method: clinical testing. Allele origin: germline.
Comment: The c.1554_1557+3delTAAGGTA variant in MTRR is a frameshift variant predicted to shift the reading frame and introduce a stop codon. This variant is expected to result in nonsense mediated decay, truncation, or a dysfunctional protein product. This variant is rare in the general population with a frequency below the threshold expected for the associated phenotype(s). This variant has been observed in one or more individuals affected with the associated recessive disease, as either homozygous or compound heterozygous with a second variant (PMID: 15714522). Given the available evidence, this variant is classified as Pathogenic.

GeneDx
Classification: Pathogenic. Last evaluated: 2024-11-26. Review status: criteria provided, single submitter. Criteria: GeneDx Variant Classification Process June 2021. Collection method: clinical testing. Allele origin: germline. Affected: yes.
Comment: RNA studies demonstrate a damaging effect: the c.1554_1557+3del results in aberrant splicing that generates a cryptic splice site upstream of natural site and results in an in-frame event that affects a functional domain (PMID: 10484769); Not observed at significant frequency in large population cohorts (gnomAD); In silico analysis supports a deleterious effect on splicing; This variant is associated with the following publications: (PMID: 10484769)

Labcorp Genetics (formerly Invitae), Labcorp
Classification: Likely pathogenic for Methylcobalamin deficiency type cblE. Last evaluated: 2024-10-26. Review status: criteria provided, single submitter. Criteria: Invitae Variant Classification Sherloc (09022015). Collection method: clinical testing. Allele origin: germline.
Comment: This variant results in the deletion of part of exon 11 (c.1554_1557+3del) of the MTRR gene. It is expected to disrupt RNA splicing. Variants that disrupt the donor or acceptor splice site typically lead to a loss of protein function (PMID: 16199547), and loss-of-function variants in MTRR are known to be pathogenic (PMID: 15714522). This variant is present in population databases (rs754619743, gnomAD 0.003%). This variant has been observed in individual(s) with cobalamin E deficiency (PMID: 10484769). This variant is also known as 1554del7 in literature. ClinVar contains an entry for this variant (Variation ID: 1466138). In summary, the currently available evidence indicates that the variant is pathogenic, but additional data are needed to prove that conclusively. Therefore, this variant has been classified as Likely Pathogenic.

Blueprint Genetics
Classification: Likely pathogenic for MTRR-related disorders. Last evaluated: 2024-10-03. Review status: criteria provided, single submitter. Criteria: ACMG Guidelines, 2015. Collection method: clinical testing. Allele origin: germline. Affected: yes. Observed: 3 variant alleles.

Baylor Genetics
Classification: Pathogenic for Neural tube defects, folate-sensitive. Last evaluated: 2023-03-19. Review status: criteria provided, single submitter. Criteria: ACMG Guidelines, 2015. Collection method: clinical testing. Allele origin: unknown.

Literature cited by the submitters: PubMed 15714522 (cited by Natera, Inc. and Labcorp Genetics (formerly Invitae), Labcorp); PubMed 16199547 (cited by Labcorp Genetics (formerly Invitae), Labcorp); PubMed 10484769 (cited by Labcorp Genetics (formerly Invitae), Labcorp).

NM_002454.3(MTRR):c.1554_1557+3del

Gene: MTRR (5-methyltetrahydrofolate-homocysteine methyltransferase reductase; plus strand). Cytogenetic location: 5p15.31.
Variant type: Deletion.
Coding change: c.1554_1557+3del on transcript NM_002454.3 (MANE Select); coding-DNA position 1554 through 3 bases into the intron after coding-DNA position 1557, 7 bases deleted (TAAGGTA; older notation c.1554_1557+3delTAAGGTA).
Molecular consequence: splice donor variant.
Genome position (GRCh38, 1-based): chr5:7,892,910-7,892,916, TAAGGTA deleted. VCF-style (leftmost placement, unchanged base first): chr5-7892909-CTAAGGTA-C. GRCh37 (hg19) VCF-style: chr5-7893022-CTAAGGTA-C.
Other names: c.1554_1557+3delTAAGGTA (NM_002454.2); c.1554_1557+3del (NM_001364440.2, NM_001364441.2, NM_001364442.2 and 1 more transcripts).
Identifiers: ClinVar variation 1466138 (VCV001466138.10), dbSNP rs754619743, ClinGen allele CA3195971.